The following is an entry in ClinVar:

ClinVar aggregate classification (germline): Conflicting classifications of pathogenicity. Review status: criteria provided, conflicting classifications (1 of 4 stars). 2 submissions from 2 submitters: Likely pathogenic (1); Uncertain significance (1). Last evaluated 2024-12-18.

Conditions:
Peroxisome biogenesis disorder 4B (PBD4B). Also called: SPINOCEREBELLAR ATAXIA WITH BLINDNESS AND DEAFNESS 1. Identifiers: Orphanet 44, Orphanet 95433, MedGen C3553937, MONDO:0013931, OMIM 614863.
Peroxisome biogenesis disorder. Identifiers: Orphanet 79189, MedGen C1832200, MONDO:0019234. Disease mechanism: loss of function.

Submissions (2):

Genomic Medicine Center of Excellence, King Faisal Specialist Hospital and Research Centre
Classification: Likely pathogenic for Peroxisome biogenesis disorder 4B. Last evaluated: 2024-12-18. Review status: criteria provided, single submitter. Criteria: ACMG Guidelines, 2015. Collection method: clinical testing. Allele origin: germline.

Labcorp Genetics (formerly Invitae), Labcorp
Classification: Uncertain significance for Peroxisome biogenesis disorder. Last evaluated: 2021-10-20. Review status: criteria provided, single submitter. Criteria: Invitae Variant Classification Sherloc (09022015). Collection method: clinical testing. Allele origin: germline.
Comment: In summary, the available evidence is currently insufficient to determine the role of this variant in disease. Therefore, it has been classified as a Variant of Uncertain Significance. This variant disrupts the p.Arg860 amino acid residue in PEX6. Other variant(s) that disrupt this residue have been determined to be pathogenic (PMID: 19105186, 29220678). This suggests that this residue is clinically significant, and that variants that disrupt this residue are likely to be disease-causing. Algorithms developed to predict the effect of missense changes on protein structure and function are either unavailable or do not agree on the potential impact of this missense change (SIFT: "Deleterious"; PolyPhen-2: "Probably Damaging"; Align-GVGD: "Class C0"). This variant has not been reported in the literature in individuals affected with PEX6-related conditions. This variant is not present in population databases (gnomAD no frequency). This sequence change replaces arginine, a(n) basic and polar amino acid, with proline, a(n) neutral and non-polar amino acid, at codon 860 of the PEX6 protein (p.Arg860Pro).

Literature cited by the submitters: PubMed 19105186 (cited by Labcorp Genetics (formerly Invitae), Labcorp); PubMed 29220678 (cited by Labcorp Genetics (formerly Invitae), Labcorp).

NM_000287.4(PEX6):c.2579G>C (p.Arg860Pro)

Gene: PEX6 (peroxisomal biogenesis factor 6; minus strand). Cytogenetic location: 6p21.1.
Variant type: single nucleotide variant.
Coding change: c.2579G>C on transcript NM_000287.4 (MANE Select); coding-DNA position 2579, G replaced by C.
Protein change: p.Arg860Pro; replaces arginine 860 with proline.
Molecular consequence: missense variant. On other transcripts: non-coding transcript variant (1).
Genome position (GRCh38, 1-based): chr6:42,965,261, C>G on the plus strand (G>C on the coding strand, the complement: PEX6 is on the minus strand). VCF-style: chr6-42965261-C-G. GRCh37 (hg19) VCF-style: chr6-42932999-C-G.
Other names: c.2315G>C, p.Arg772Pro (NM_001316313.2); short protein forms R772P, R860P.
Identifiers: ClinVar variation 1388138 (VCV001388138.7), dbSNP rs61753231, ClinGen allele CA364150869.
Genomic context (GRCh38, chr6:42,965,261, plus strand): 5'-GGTGAAGGAGGCACAAAATGAGGGTGGAGATGAGCAGTACAAGGGGCCCACCTGCCAGGC[C>G]GCAGAAGGGCAGGGTCCAGGAGATCTGGTCTGTTGGTGGCTCCAATCACAAACACATCCT-3'
Protein context (NP_000278.3, residues 850-870): RPDLLDPALL[Arg860Pro]PGRFDKLVFV